The following is an entry in ClinVar:

NM_000051.4(ATM):c.5888A>G (p.Asp1963Gly)

Genes: ATM (ATM serine/threonine kinase; plus strand), C11orf65 (chromosome 11 open reading frame 65; minus strand). Cytogenetic location: 11q22.3.
Variant type: single nucleotide variant.
Coding change: c.5888A>G on transcript NM_000051.4 (MANE Select); coding-DNA position 5888, A replaced by G.
Protein change: p.Asp1963Gly; replaces aspartic acid 1963 with glycine.
Molecular consequence: missense variant. On other transcripts: intron variant (2).
Genome position (GRCh38, 1-based): chr11:108,310,285, A>G. VCF-style: chr11-108310285-A-G. GRCh37 (hg19) VCF-style: chr11-108181012-A-G.
Other names: c.5888A>G, p.Asp1963Gly (NM_001351834.2); c.641-1214T>C (NM_001330368.2); c.*39-1214T>C (NM_001351110.2); short protein forms D1963G.
Identifiers: ClinVar variation 479081 (VCV000479081.18), dbSNP rs1555110484, ClinGen allele CA382548540.
Genomic context (GRCh38, chr11:108,310,285, plus strand): 5'-AGGTAGCTCAGTCTTGTGCTGCTCACTTTACAGCTTTACTCTATGCAGAAATCTATGCAG[A>G]TAAGAAAAGTATGGATGATCAAGAGAAAAGGTAATGGAATTTAGAATTTTTGGTTTTTAA-3'
Protein context (NP_000042.3, residues 1953-1973): TALLYAEIYA[Asp1963Gly]KKSMDDQEKR

ClinVar aggregate classification (germline): Conflicting classifications of pathogenicity. Review status: criteria provided, conflicting classifications (1 of 4 stars). 3 submissions from 3 submitters: Likely pathogenic (1); Uncertain significance (2). Last evaluated 2024-11-26.

Conditions:
Hereditary cancer-predisposing syndrome. Also called: Neoplastic Syndromes, Hereditary; Hereditary Cancer Syndrome; Tumor predisposition; Hereditary neoplastic syndrome. Identifiers: Orphanet 140162, MedGen C0027672, MeSH D009386, MONDO:0015356.
Ataxia-telangiectasia syndrome (AT). Also called: LOUIS-BAR SYNDROME; Cerebello-oculocutaneous telangiectasia; Immunodeficiency with ataxia telangiectasia; Ataxia-telangiectasia, complementation group D; AT, COMPLEMENTATION GROUP C; Ataxia-telangiectasia, complementation group E. Identifiers: Orphanet 100, MedGen C0004135, MONDO:0008840, OMIM 208900.

Allele frequency attached by ClinVar (database versions not stated): gnomAD exomes below 0.00001.
gnomAD v4.1: 1 of 1,613,566 alleles (0.000062%); highest among the groups gnomAD compares: Non-Finnish European, 0.000085%; no homozygotes.

Submissions (3):

Ambry Genetics
Classification: Likely pathogenic for Hereditary cancer-predisposing syndrome. Last evaluated: 2024-11-26. Review status: criteria provided, single submitter. Criteria: Ambry Variant Classification Scheme 2023. Collection method: clinical testing. Allele origin: germline.
Comment: The c.5888A>G variant (also known as p.D1963G), located in coding exon 38 of the ATM gene, results from an A to G substitution at nucleotide position 5888. The aspartic acid at codon 1963 is replaced by glycine, an amino acid with similar properties. This nucleotide position is highly conserved in available vertebrate species. In silico splice site analysis predicts that this alteration will result in the creation or strengthening of a novel splice donor site. RNA studies have demonstrated that this alteration results in abnormal splicing in the set of samples tested (Ambry internal data). This variant is considered to be rare based on population cohorts in the Genome Aggregation Database (gnomAD). Based on the majority of available evidence to date, this variant is likely to be pathogenic.

Women's Health and Genetics/Laboratory Corporation of America, LabCorp
Classification: Uncertain significance. Last evaluated: 2024-06-24. Review status: criteria provided, single submitter. Criteria: LabCorp Variant Classification Summary - May 2015. Collection method: clinical testing. Allele origin: germline.
Comment: Variant summary: ATM c.5888A>G (p.Asp1963Gly) results in a non-conservative amino acid change located in the PIK-related kinase domain (IPR003151) of the encoded protein sequence. Four of five in-silico tools predict a damaging effect of the variant on protein function. The variant was absent in 251046 control chromosomes. The available data on variant occurrences in the general population are insufficient to allow any conclusion about variant significance. To our knowledge, no occurrence of c.5888A>G in individuals affected with Ataxia-Telangiectasia and no experimental evidence demonstrating its impact on protein function have been reported. ClinVar contains an entry for this variant (Variation ID: 479081). Based on the evidence outlined above, the variant was classified as uncertain significance.

Labcorp Genetics (formerly Invitae), Labcorp
Classification: Uncertain significance for Ataxia-telangiectasia syndrome. Last evaluated: 2024-05-27. Review status: criteria provided, single submitter. Criteria: Invitae Variant Classification Sherloc (09022015). Collection method: clinical testing. Allele origin: germline.
Comment: This sequence change replaces aspartic acid, which is acidic and polar, with glycine, which is neutral and non-polar, at codon 1963 of the ATM protein (p.Asp1963Gly). RNA analysis indicates that this missense change induces altered splicing and may result in an absent or disrupted protein product. This variant is not present in population databases (gnomAD no frequency). This variant has not been reported in the literature in individuals affected with ATM-related conditions. ClinVar contains an entry for this variant (Variation ID: 479081). An algorithm developed to predict the effect of missense changes on protein structure and function (PolyPhen-2) suggests that this variant is likely to be disruptive. Studies have shown that this missense change results in activation of a cryptic splice site and introduces a premature termination codon (Invitae). The resulting mRNA is expected to undergo nonsense-mediated decay. In summary, the available evidence is currently insufficient to determine the role of this variant in disease. Therefore, it has been classified as a Variant of Uncertain Significance.

Literature cited by the submitters: PubMed 30287823 (cited by Ambry Genetics).